The following is an entry in ClinVar:

NM_001023.4(RPS20):c.320A>T (p.Glu107Val)

Gene: RPS20 (ribosomal protein S20; minus strand). Cytogenetic location: 8q12.1.
Variant type: single nucleotide variant.
Coding change: c.320A>T on transcript NM_001023.4 (MANE Select); coding-DNA position 320, A replaced by T.
Protein change: p.Glu107Val; replaces glutamic acid 107 with valine.
Molecular consequence: missense variant.
Genome position (GRCh38, 1-based): chr8:56,073,130, T>A on the plus strand (A>T on the coding strand, the complement: RPS20 is on the minus strand). VCF-style: chr8-56073130-T-A. GRCh37 (hg19) VCF-style: chr8-56985689-T-A.
Other names: c.320A>T, p.Glu107Val (NM_001146227.3); short protein forms E107V.
Identifiers: ClinVar variation 4156743 (VCV004156743.1).
Genomic context (GRCh38, chr8:56,073,130, plus strand): 5'-AATTTATTAAAATAGTTGACTTAAGCATCTGCAATGGTGACTTCCACCTCAACTCCTGGC[T>A]CAATACTGATGGAAGTAATCTGCTTAACAATCTCAGAAGGACTGTGCAAGTCAATGAGTC-3'
Protein context (NP_001014.1, residues 97-117): IVKQITSISI[Glu107Val]PGVEVEVTIA

ClinVar aggregate classification (germline): Uncertain significance (1 of 4 stars; one submission).

Submission:

Ambry Genetics
Classification: Uncertain significance. Last evaluated: 2025-08-19. Review status: criteria provided, single submitter. Criteria: Ambry Variant Classification Scheme 2023. Collection method: clinical testing. Allele origin: germline.
Comment: The p.E107V variant (also known as c.320A>T), located in coding exon 4 of the RPS20 gene, results from an A to T substitution at nucleotide position 320. The glutamic acid at codon 107 is replaced by valine, an amino acid with dissimilar properties. This amino acid position is conserved. In addition, this alteration is predicted to be deleterious by in silico analysis. Based on the available evidence, the clinical significance of this variant remains unclear.